The following is an entry in ClinVar:

ClinVar aggregate classification (germline): Uncertain significance. Review status: criteria provided, multiple submitters, no conflicts (2 of 4 stars). 2 submissions from 2 submitters: Uncertain significance (2). Last evaluated 2026-07-07.

Conditions:
Rhabdoid tumor predisposition syndrome 2 (RTPS2). Identifiers: Orphanet 231108, Orphanet 69077, MedGen C2750074, MONDO:0013224, OMIM 613325.
Hereditary cancer-predisposing syndrome. Also called: Tumor predisposition; Hereditary Cancer Syndrome; Hereditary neoplastic syndrome; Neoplastic Syndromes, Hereditary. Identifiers: Orphanet 140162, MedGen C0027672, MeSH D009386, MONDO:0015356.

Submissions (2):

Ambry Genetics
Classification: Uncertain significance for Hereditary cancer-predisposing syndrome. Last evaluated: 2026-07-07. Review status: criteria provided, single submitter. Criteria: Ambry Variant Classification Scheme 2023. Collection method: clinical testing. Allele origin: germline.
Comment: The p.T170I variant (also known as c.509C>T), located in coding exon 3 of the SMARCA4 gene, results from a C to T substitution at nucleotide position 509. The threonine at codon 170 is replaced by isoleucine, an amino acid with similar properties. This amino acid position is conserved. In addition, the in silico prediction for this alteration is inconclusive. Based on the available evidence, the clinical significance of this variant remains unclear.

Labcorp Genetics (formerly Invitae), Labcorp
Classification: Uncertain significance for Rhabdoid tumor predisposition syndrome 2. Last evaluated: 2023-01-12. Review status: criteria provided, single submitter. Criteria: Invitae Variant Classification Sherloc (09022015). Collection method: clinical testing. Allele origin: germline.
Comment: In summary, the available evidence is currently insufficient to determine the role of this variant in disease. Therefore, it has been classified as a Variant of Uncertain Significance. Advanced modeling of protein sequence and biophysical properties (such as structural, functional, and spatial information, amino acid conservation, physicochemical variation, residue mobility, and thermodynamic stability) performed at Invitae indicates that this missense variant is not expected to disrupt SMARCA4 protein function. ClinVar contains an entry for this variant (Variation ID: 1051979). This variant has not been reported in the literature in individuals affected with SMARCA4-related conditions. This variant is not present in population databases (gnomAD no frequency). This sequence change replaces threonine, which is neutral and polar, with isoleucine, which is neutral and non-polar, at codon 170 of the SMARCA4 protein (p.Thr170Ile).

NM_003072.5(SMARCA4):c.509C>T (p.Thr170Ile)

Gene: SMARCA4 (SWI/SNF related BAF chromatin remodeling complex subunit ATPase 4; plus strand). Cytogenetic location: 19p13.2.
Variant type: single nucleotide variant.
Coding change: c.509C>T on transcript NM_003072.5 (MANE Select); coding-DNA position 509, C replaced by T.
Protein change: p.Thr170Ile; replaces threonine 170 with isoleucine.
Molecular consequence: missense variant. On other transcripts: non-coding transcript variant (1).
Genome position (GRCh38, 1-based): chr19:10,986,342, C>T. VCF-style: chr19-10986342-C-T. GRCh37 (hg19) VCF-style: chr19-11097018-C-T.
Other names: c.509C>T, p.Thr170Ile (NM_001128844.3, NM_001128845.2, NM_001128846.2 and 5 more transcripts); c.509C>T (NM_001128849.1); short protein forms T170I.
Identifiers: ClinVar variation 1051979 (VCV001051979.10), dbSNP rs762871878, ClinGen allele CA404056193.
Genomic context (GRCh38, chr19:10,986,342, plus strand): 5'-GAGGTGCCCCGCTGGATGGTGCTGACCCCCAGGCCTTGGGGCAGCAGAACCGGGGCCCAA[C>T]CCCATTTAACCAGAACCAGCTGCACCAGCTCAGAGCTCAGATCATGGCCTACAAGATGCT-3'
Protein context (NP_003063.2, residues 160-180): QALGQQNRGP[Thr170Ile]PFNQNQLHQL